The following is an entry in ClinVar:

NM_000051.4(ATM):c.5258A>G (p.Tyr1753Cys)

Gene: ATM (ATM serine/threonine kinase; plus strand). Cytogenetic location: 11q22.3.
Variant type: single nucleotide variant.
Coding change: c.5258A>G on transcript NM_000051.4 (MANE Select); coding-DNA position 5258, A replaced by G.
Protein change: p.Tyr1753Cys; replaces tyrosine 1753 with cysteine.
Molecular consequence: missense variant.
Genome position (GRCh38, 1-based): chr11:108,301,728, A>G. VCF-style: chr11-108301728-A-G. GRCh37 (hg19) VCF-style: chr11-108172455-A-G.
Other names: c.5258A>G, p.Tyr1753Cys (NM_001351834.2); short protein forms Y1753C.
Identifiers: ClinVar variation 236733 (VCV000236733.30), dbSNP rs777481236, ClinGen allele CA6265666.

ClinVar aggregate classification (germline): Uncertain significance. Review status: criteria provided, multiple submitters, no conflicts (2 of 4 stars). 7 submissions from 7 submitters: Uncertain significance (7). Last evaluated 2026-09-01.

Conditions:
ATM-related cancer predisposition. Also called: ATM-related cancer susceptibility. Identifiers: MedGen CN377759, MONDO:0700270.
Hereditary cancer-predisposing syndrome. Also called: Hereditary neoplastic syndrome; Hereditary Cancer Syndrome; Neoplastic Syndromes, Hereditary; Tumor predisposition. Identifiers: Orphanet 140162, MedGen C0027672, MeSH D009386, MONDO:0015356.
Ataxia-telangiectasia syndrome (AT). Also called: Ataxia-telangiectasia, complementation group D; Ataxia telangiectasia (A-T); LOUIS-BAR SYNDROME; AT, COMPLEMENTATION GROUP C; ATAXIA-TELANGIECTASIA, COMPLEMENTATION GROUP A; ATAXIA-TELANGIECTASIA, FRESNO VARIANT. Identifiers: Orphanet 100, MedGen C0004135, MONDO:0008840, OMIM 208900.

Allele frequency attached by ClinVar (database versions not stated): gnomAD exomes below 0.00001; ExAC 0.00001.
gnomAD v4.1: 1 of 1,613,804 alleles (0.000062%); highest among the groups gnomAD compares: Non-Finnish European, 0.000085%; no homozygotes.

Submissions (7):

CeGaT Center for Human Genetics Tuebingen
Classification: Uncertain significance. Last evaluated: 2026-09-01. Review status: criteria provided, single submitter. Criteria: CeGaT Center For Human Genetics Tuebingen Variant Classification Criteria Version 2. Collection method: clinical testing. Allele origin: germline. Affected: yes. Observed: 1 variant allele.
Comment: ATM: PM2, BP1

Labcorp Genetics (formerly Invitae), Labcorp
Classification: Uncertain significance for Ataxia-telangiectasia syndrome. Last evaluated: 2025-08-31. Review status: criteria provided, single submitter. Criteria: Invitae Variant Classification Sherloc (09022015). Collection method: clinical testing. Allele origin: germline.
Comment: This sequence change replaces tyrosine, which is neutral and polar, with cysteine, which is neutral and slightly polar, at codon 1753 of the ATM protein (p.Tyr1753Cys). This variant is not present in population databases (gnomAD no frequency). This variant has not been reported in the literature in individuals affected with ATM-related conditions. ClinVar contains an entry for this variant (Variation ID: 236733). Invitae Evidence Modeling of protein sequence and biophysical properties (such as structural, functional, and spatial information, amino acid conservation, physicochemical variation, residue mobility, and thermodynamic stability) indicates that this missense variant is not expected to disrupt ATM protein function with a negative predictive value of 95%. In summary, the available evidence is currently insufficient to determine the role of this variant in disease. Therefore, it has been classified as a Variant of Uncertain Significance.

Dasa
Classification: Uncertain significance for ATM-related cancer predisposition. Last evaluated: 2025-04-09. Review status: criteria provided, single submitter. Criteria: DASA Assertion Criteria. Collection method: clinical testing. Allele origin: germline.
Comment: NM_000051.4(ATM):c.5258A>G (p.Tyr1753Cys) is a missense variant that results in the substitution of tyrosine with cysteine. This variant is rare in population databases. The currently available literature and clinical evidence are not sufficient to establish a definitive association between this variant and the reported condition. Therefore, this variant is classified as a variant of uncertain significance.

Ambry Genetics
Classification: Uncertain significance for Hereditary cancer-predisposing syndrome. Last evaluated: 2024-03-01. Review status: criteria provided, single submitter. Criteria: Ambry Variant Classification Scheme 2023. Collection method: clinical testing. Allele origin: germline.
Comment: The p.Y1753C variant (also known as c.5258A>G), located in coding exon 34 of the ATM gene, results from an A to G substitution at nucleotide position 5258. The tyrosine at codon 1753 is replaced by cysteine, an amino acid with highly dissimilar properties. This amino acid position is well conserved in available vertebrate species. In addition, this alteration is predicted to be tolerated by in silico analysis. Since supporting evidence is limited at this time, the clinical significance of this alteration remains unclear.

Quest Diagnostics Nichols Institute San Juan Capistrano
Classification: Uncertain significance. Last evaluated: 2023-10-03. Review status: criteria provided, single submitter. Criteria: Quest Diagnostics criteria. Collection method: clinical testing. Allele origin: unknown.

Color Diagnostics, LLC DBA Color Health
Classification: Uncertain significance for Hereditary cancer-predisposing syndrome. Last evaluated: 2020-03-02. Review status: criteria provided, single submitter. Criteria: ACMG Guidelines, 2015. Collection method: clinical testing. Allele origin: germline.
Comment: This missense variant replaces tyrosine with cysteine at codon 1753 of the ATM protein. Computational prediction suggests that this variant may not impact protein structure and function (internally defined REVEL score threshold <= 0.5, PMID: 27666373). Splice site prediction tools suggest that this variant may not impact RNA splicing. To our knowledge, functional studies have not been reported for this variant. This variant has not been reported in individuals affected with hereditary cancer in the literature. This variant has been identified in 1/251178 chromosomes in the general population by the Genome Aggregation Database (gnomAD). The available evidence is insufficient to determine the role of this variant in disease conclusively. Therefore, this variant is classified as a Variant of Uncertain Significance.

Mendelics
Classification: Uncertain significance for Ataxia-telangiectasia syndrome. Last evaluated: 2019-05-28. Review status: criteria provided, single submitter. Criteria: Mendelics Assertion Criteria 2017. Collection method: clinical testing. Allele origin: unknown.

Literature cited by the submitters: PubMed 33471991 (cited by Quest Diagnostics Nichols Institute San Juan Capistrano).